The following continues an entry in ClinVar:

NM_024592.5(SRD5A3):c.57G>A (p.Trp19Ter)

Gene: SRD5A3. ClinVar aggregate classification (germline): Pathogenic. Pathogenic (21).

Submissions 14 to 23 of 23:

Kariminejad - Najmabadi Pathology & Genetics Center
Classification: Pathogenic for Abnormality of the nervous system. Last evaluated: 2021-07-10. Review status: criteria provided, single submitter. Criteria: ACMG Guidelines, 2015. Collection method: clinical testing. Allele origin: germline. Affected: yes.

Labcorp Genetics (formerly Invitae), Labcorp
Classification: Pathogenic for SRD5A3-congenital disorder of glycosylation. Last evaluated: 2020-11-12. Review status: criteria provided, single submitter. Criteria: Invitae Variant Classification Sherloc (09022015). Collection method: clinical testing. Allele origin: germline.
Comment: This sequence change creates a premature translational stop signal (p.Trp19*) in the SRD5A3 gene. It is expected to result in an absent or disrupted protein product. Loss-of-function variants in SRD5A3 are known to be pathogenic (PMID: 20637498, 20700148, 31638560). This variant is present in population databases (rs398124401, ExAC 0.1%). This variant has been observed in individual(s) with SRD5A3-congenital disorder of glycosylation (PMID: 24433453, 28940310, 20852264). ClinVar contains an entry for this variant (Variation ID: 96125). For these reasons, this variant has been classified as Pathogenic.

Baylor Genetics
Classification: Pathogenic for SRD5A3-congenital disorder of glycosylation. Last evaluated: 2017-09-01. Review status: criteria provided, single submitter. Criteria: ACMG Guidelines, 2015. Collection method: clinical testing. Allele origin: germline. Inheritance: Autosomal recessive inheritance. Affected: yes.
Comment: Heterozygotes are expected to be asymptomatic carriers

Centre for Arab Genomic Studies, Sheikh Hamdan Award for Medical Sciences
Classification: Pathogenic for SRD5A3-congenital disorder of glycosylation. Last evaluated: 2017-07-15. Review status: criteria provided, single submitter. Criteria: Bastaki F et al. (Ann Hum Genet 2018). Collection method: clinical testing. Allele origin: inherited. Inheritance: Autosomal recessive inheritance. Affected: yes. Observed: 1 variant allele, 1 homozygote.

Eurofins Ntd Llc (ga)
Classification: Pathogenic. Last evaluated: 2016-01-25. Review status: criteria provided, single submitter. Criteria: EGL Classification Definitions. Collection method: clinical testing. Allele origin: germline. Observed: 8 variant alleles, 5 heterozygotes, 3 homozygotes.

Genomics England Pilot Project, Genomics England
Classification: Pathogenic for Kahrizi syndrome. Review status: criteria provided, single submitter. Criteria: ACGS Guidelines, 2016. Collection method: clinical testing. Allele origin: germline. Affected: yes.

Lifecell International Pvt. Ltd
Classification: Pathogenic for SRD5A3-congenital disorder of glycosylation. Review status: criteria provided, single submitter. Criteria: ACMG Guidelines, 2015. Collection method: clinical testing. Allele origin: germline. Inheritance: Autosomal recessive inheritance. Affected: yes. Observed: 1 compound heterozygote.
Comment: A Heterozygous Nonsense variant c.57G>A in Exon 1 of the SRD5A3 gene that results in the amino acid substitution p.Trp19* was identified. The observed variant has a minimum allele frequency of 0.00012/% in gnomAD exomes and genomes, respectively. The severity of the impact of this variant on the protein is high, based on the effect of the protein and REVEL score . Rare Exome Variant Ensemble Learner (REVEL) is an ensembl method for predicting the pathogenicity of missense variants based on a combination of scores from 13 individual tools: MutPred, FATHMM v2.3, VEST 3.0, PolyPhen-2, SIFT, PROVEAN, MutationAssessor, MutationTaster, LRT, GERP++, SiPhy, phyloP, and phastCons. The REVEL score for an individual missense variant can range from 0 to 1, with higher scores reflecting greater likelihood that the variant is disease-causing. ClinVar has also classified this variant as Pathogenic (variant ID 96125). This variant has been observed in many individuals affected with Congenital disorder of glycosylation reported by Bastaki F et al., 2018). Based on the above evidence this variant has been classified as Pathogenic according to the ACMG guidelines.

Neuberg Centre For Genomic Medicine, NCGM
Classification: Pathogenic for SRD5A3-congenital disorder of glycosylation. Review status: criteria provided, single submitter. Criteria: ACMG Guidelines, 2015. Collection method: clinical testing. Allele origin: germline. Affected: yes.
Comment: The stop gained p.W19* in SRD5A3 (NM_024592.4) has been reported in the homozygous state in affected patients(Morava et al., 2010;Gupta N et al,2018) . The variant has been classified as Pathogenic in the ClinVar database. It is observed in heterozygous state in 21/26490 (0.0793%) alleles from individuals of South Asian background in the gnomAD dataset.This variant is predicted to cause loss of normal protein function through protein truncation. For these reasons, this variant has been classified as Pathogenic.

University of Washington Center for Mendelian Genomics, University of Washington
Classification: Likely pathogenic for Congenital Disorder of Glycosylation. Last evaluated: 2016-07-08. Review status: no assertion criteria provided. Collection method: research. Allele origin: unknown. Affected: yes. Observed: 1 homozygote. Not counted in ClinVar's aggregate classification.

NIHR Bioresource Rare Diseases, University of Cambridge
Classification: Pathogenic for Cone-rod dystrophy; Autism; Global developmental delay. Review status: no assertion criteria provided. Collection method: research. Allele origin: unknown. Affected: yes. Observed: 1 variant allele. Not counted in ClinVar's aggregate classification.

Literature cited by the submitters: PubMed 24433453 (cited by Women's Health and Genetics/Laboratory Corporation of America, LabCorp and Labcorp Genetics (formerly Invitae), Labcorp); PubMed 20852264 (cited by 3 submitters); PubMed 22304929 (cited by Division of Genetic & Genomic Pathology, Hong Kong Children's Hospital and Baylor Genetics); PubMed 28253385 (cited by Division of Genetic & Genomic Pathology, Hong Kong Children's Hospital); PubMed 29998879 (cited by Division of Genetic & Genomic Pathology, Hong Kong Children's Hospital); PubMed 34925443 (cited by Division of Genetic & Genomic Pathology, Hong Kong Children's Hospital); PubMed 20637498 (cited by Labcorp Genetics (formerly Invitae), Labcorp); PubMed 20700148 (cited by Labcorp Genetics (formerly Invitae), Labcorp); PubMed 31638560 (cited by Labcorp Genetics (formerly Invitae), Labcorp); PubMed 28940310 (cited by Labcorp Genetics (formerly Invitae), Labcorp and Lifecell International Pvt. Ltd); PubMed 25326635 (cited by Baylor Genetics); PubMed 27480077 (cited by University of Washington Center for Mendelian Genomics, University of Washington); PubMed 32581362 (cited by NIHR Bioresource Rare Diseases, University of Cambridge).